The following is an entry in ClinVar:

ClinVar aggregate classification (germline): Uncertain significance. Review status: criteria provided, multiple submitters, no conflicts (2 of 4 stars). 2 submissions from 2 submitters: Uncertain significance (2). Last evaluated 2025-01-28.

Conditions:
Hereditary cancer-predisposing syndrome. Also called: Neoplastic Syndromes, Hereditary; Tumor predisposition; Hereditary neoplastic syndrome; Hereditary Cancer Syndrome. Identifiers: Orphanet 140162, MedGen C0027672, MeSH D009386, MONDO:0015356.
Cardiovascular phenotype. Identifiers: MedGen CN230736.

Submissions (2):

Labcorp Genetics (formerly Invitae), Labcorp
Classification: Uncertain significance. Last evaluated: 2025-01-28. Review status: criteria provided, single submitter. Criteria: Invitae Variant Classification Sherloc (09022015). Collection method: clinical testing. Allele origin: germline.
Comment: This sequence change replaces proline, which is neutral and non-polar, with histidine, which is basic and polar, at codon 338 of the LZTR1 protein (p.Pro338His). This variant is not present in population databases (gnomAD no frequency). This variant has not been reported in the literature in individuals affected with LZTR1-related conditions. ClinVar contains an entry for this variant (Variation ID: 3237998). Invitae Evidence Modeling of protein sequence and biophysical properties (such as structural, functional, and spatial information, amino acid conservation, physicochemical variation, residue mobility, and thermodynamic stability) indicates that this missense variant is not expected to disrupt LZTR1 protein function with a negative predictive value of 80%. In summary, the available evidence is currently insufficient to determine the role of this variant in disease. Therefore, it has been classified as a Variant of Uncertain Significance.

Ambry Genetics
Classification: Uncertain significance for Cardiovascular phenotype; Hereditary cancer-predisposing syndrome. Last evaluated: 2023-09-22. Review status: criteria provided, single submitter. Criteria: Ambry Variant Classification Scheme 2023. Collection method: clinical testing. Allele origin: germline.
Comment: The p.P338H variant (also known as c.1013C>A), located in coding exon 10 of the LZTR1 gene, results from a C to A substitution at nucleotide position 1013. The proline at codon 338 is replaced by histidine, an amino acid with similar properties. This amino acid position is conserved. In addition, this alteration is predicted to be tolerated by in silico analysis. Since supporting evidence is limited at this time, the clinical significance of this alteration remains unclear.

NM_006767.4(LZTR1):c.1013C>A (p.Pro338His)

Gene: LZTR1 (leucine zipper like post translational regulator 1; plus strand). Cytogenetic location: 22q11.21.
Variant type: single nucleotide variant.
Coding change: c.1013C>A on transcript NM_006767.4 (MANE Select); coding-DNA position 1013, C replaced by A.
Protein change: p.Pro338His; replaces proline 338 with histidine.
Molecular consequence: missense variant.
Genome position (GRCh38, 1-based): chr22:20,992,233, C>A. VCF-style: chr22-20992233-C-A. GRCh37 (hg19) VCF-style: chr22-21346522-C-A.
Other names: short protein forms P338H.
Identifiers: ClinVar variation 3237998 (VCV003237998.3), dbSNP rs2518617929.
Genomic context (GRCh38, chr22:20,992,233, plus strand): 5'-CTTGCCAACTGGTCTCATGCCCATGTGTCTCCCCTCTTCAGGTTGGTGGGGCTGAAGTGC[C>A]CGAGCGAGCCTGTGCTTCCGAGGAGGTGCCCACCCTGACCTATGAGGAGCGGGTTGGCTT-3'
Protein context (NP_006758.2, residues 328-348): SDSEVGGAEV[Pro338His]ERACASEEVP